The following is an entry in ClinVar:

ClinVar aggregate classification (germline): Uncertain significance (1 of 4 stars; one submission).

Conditions:
Severe combined immunodeficiency due to DNA-PKcs deficiency. Also called: IMMUNODEFICIENCY 26 WITH NEUROLOGIC ABNORMALITIES; Immunodeficiency 26 with or without neurologic abnormalities. Identifiers: Orphanet 317425, MedGen C4014833, MONDO:0014423, OMIM 615966.

Submission:

Labcorp Genetics (formerly Invitae), Labcorp
Classification: Uncertain significance for Severe combined immunodeficiency due to DNA-PKcs deficiency. Last evaluated: 2025-06-05. Review status: criteria provided, single submitter. Criteria: Invitae Variant Classification Sherloc (09022015). Collection method: clinical testing. Allele origin: germline.
Comment: This sequence change replaces valine, which is neutral and non-polar, with isoleucine, which is neutral and non-polar, at codon 1339 of the PRKDC protein (p.Val1339Ile). This variant is not present in population databases (gnomAD no frequency). This variant has not been reported in the literature in individuals affected with PRKDC-related conditions. Invitae Evidence Modeling of protein sequence and biophysical properties (such as structural, functional, and spatial information, amino acid conservation, physicochemical variation, residue mobility, and thermodynamic stability) indicates that this missense variant is not expected to disrupt PRKDC protein function with a negative predictive value of 80%. In summary, the available evidence is currently insufficient to determine the role of this variant in disease. Therefore, it has been classified as a Variant of Uncertain Significance.

NM_006904.7(PRKDC):c.4015G>A (p.Val1339Ile)

Gene: PRKDC (protein kinase, DNA-activated, catalytic subunit; minus strand). Cytogenetic location: 8q11.21.
Variant type: single nucleotide variant.
Coding change: c.4015G>A on transcript NM_006904.7 (MANE Select); coding-DNA position 4015, G replaced by A.
Protein change: p.Val1339Ile; replaces valine 1339 with isoleucine.
Molecular consequence: missense variant.
Genome position (GRCh38, 1-based): chr8:47,890,313, C>T on the plus strand (G>A on the coding strand, the complement: PRKDC is on the minus strand). VCF-style: chr8-47890313-C-T. GRCh37 (hg19) VCF-style: chr8-48802874-C-T.
Other names: c.4015G>A, p.Val1339Ile (NM_001081640.2); short protein forms V1339I.
Identifiers: ClinVar variation 4739619 (VCV004739619.1).
Genomic context (GRCh38, chr8:47,890,313, plus strand): 5'-CTACCTTCCATCCTTCCGGGGAGGTGTTTAGCAGAGTCGTGGTAAACTCCATAATCCGGA[C>T]CACAACGGTGCATTTGCTGTAGTTGTACCTTTCTCCCTCTTGTGGGCTTGTTCTGTTACC-3'
Protein context (NP_008835.5, residues 1329-1349): RYNYSKCTVV[Val1339Ile]RIMEFTTTLL